The following is an entry in ClinVar:

ClinVar aggregate classification (germline): Uncertain significance. Review status: criteria provided, multiple submitters, no conflicts (2 of 4 stars). 2 submissions from 2 submitters: Uncertain significance (2). Last evaluated 2025-02-12.

Conditions:
Tietz syndrome (TADS). Also called: HYPOPIGMENTATION/DEAFNESS OF TIETZ; ALBINISM-DEAFNESS OF TIETZ; TIETZ ALBINISM-DEAFNESS SYNDROME. Identifiers: Orphanet 42665, MedGen C0391816, MONDO:0007077, OMIM 103500.
Waardenburg syndrome type 2A (WS2A). Also called: WAARDENBURG SYNDROME WITHOUT DYSTOPIA CANTHORUM. Identifiers: Orphanet 3440, MedGen C1860339, MONDO:0008671, OMIM 193510.
Melanoma, cutaneous malignant, susceptibility to, 8. Also called: MELANOMA AND RENAL CELL CARCINOMA, SUSCEPTIBILITY TO; Cutaneous malignant melanoma 8. Identifiers: Orphanet 293822, MedGen C3152204, MONDO:0013759, OMIM 614456.

Allele frequency attached by ClinVar (database versions not stated): gnomAD exomes below 0.00001; ExAC 0.00001; gnomAD 0.00001; TOPMed 0.00002; ESP Exome Variant Server 0.00008.
gnomAD v4.1: 6 of 1,600,348 alleles (0.00037%); highest among the groups gnomAD compares: African/African-American, 0.004%; no homozygotes.

Submissions (2):

Labcorp Genetics (formerly Invitae), Labcorp
Classification: Uncertain significance for Melanoma, cutaneous malignant, susceptibility to, 8; Waardenburg syndrome type 2A; Tietz syndrome. Last evaluated: 2025-02-12. Review status: criteria provided, single submitter. Criteria: Invitae Variant Classification Sherloc (09022015). Collection method: clinical testing. Allele origin: germline.
Comment: This sequence change affects codon 147 of the MITF mRNA. It is a 'silent' change, meaning that it does not change the encoded amino acid sequence of the MITF protein. This variant also falls at the last nucleotide of exon 4, which is part of the consensus splice site for this exon. This variant is present in population databases (rs368862508, gnomAD 0.008%). This variant has not been reported in the literature in individuals affected with MITF-related conditions. ClinVar contains an entry for this variant (Variation ID: 2110394). Variants that disrupt the consensus splice site are a relatively common cause of aberrant splicing (PMID: 17576681, 9536098). Algorithms developed to predict the effect of sequence changes on RNA splicing suggest that this variant may disrupt the consensus splice site. In summary, the available evidence is currently insufficient to determine the role of this variant in disease. Therefore, it has been classified as a Variant of Uncertain Significance.

GeneDx
Classification: Uncertain significance. Last evaluated: 2024-08-28. Review status: criteria provided, single submitter. Criteria: GeneDx Variant Classification Process June 2021. Collection method: clinical testing. Allele origin: germline. Affected: yes.
Comment: Alters the last nucleotide of the exon and is predicted to destroy the splice donor site but the effect on protein function is unclear; Has not been previously published as pathogenic or benign to our knowledge

Literature cited by the submitters: PubMed 17576681 (cited by Labcorp Genetics (formerly Invitae), Labcorp); PubMed 9536098 (cited by Labcorp Genetics (formerly Invitae), Labcorp).

NM_001354604.2(MITF):c.762G>A (p.Thr254=)

Gene: MITF (melanocyte inducing transcription factor; plus strand). Cytogenetic location: 3p13.
Variant type: single nucleotide variant.
Coding change: c.762G>A on transcript NM_001354604.2 (MANE Select); coding-DNA position 762, G replaced by A.
Protein change: p.Thr254=; no amino-acid change (threonine 254 retained).
Molecular consequence: synonymous variant.
Genome position (GRCh38, 1-based): chr3:69,941,331, G>A. VCF-style: chr3-69941331-G-A. GRCh37 (hg19) VCF-style: chr3-69990482-G-A.
Other names: c.441G>A, p.Thr147= (NM_000248.4, NM_198158.3); c.759G>A, p.Thr253= (NM_001354605.2, NM_001354606.2, NM_006722.3); c.606G>A, p.Thr202= (NM_001184967.2, NM_001354608.2); c.711G>A, p.Thr237= (NM_001354607.2); c.762G>A, p.Thr254= (NM_198159.3); c.714G>A, p.Thr238= (NM_198177.3); c.273G>A, p.Thr91= (NM_198178.3).
Identifiers: ClinVar variation 2110394 (VCV002110394.5), dbSNP rs368862508, ClinGen allele CA2490453.